The following is an entry in ClinVar:

ClinVar aggregate classification (germline): Uncertain significance (1 of 4 stars; one submission).

Conditions:
Tuberous sclerosis 2 (TSC2). Identifiers: Orphanet 805, MedGen C1860707, MONDO:0013199, OMIM 613254.

Submission:

Labcorp Genetics (formerly Invitae), Labcorp
Classification: Uncertain significance for Tuberous sclerosis 2. Last evaluated: 2020-06-30. Review status: criteria provided, single submitter. Criteria: Invitae Variant Classification Sherloc (09022015). Collection method: clinical testing. Allele origin: germline.
Comment: In summary, the available evidence is currently insufficient to determine the role of this variant in disease. Therefore, it has been classified as a Variant of Uncertain Significance. Experimental studies and prediction algorithms are not available or were not evaluated, and the functional significance of this variant is currently unknown. This variant has not been reported in the literature in individuals with TSC2-related conditions. This variant is not present in population databases (ExAC no frequency). This variant, c.2127_2129dup, results in the insertion of 1 amino acid(s) to the TSC2 protein (p.Leu710dup), but otherwise preserves the integrity of the reading frame.

NM_000548.5(TSC2):c.2127_2129dup (p.Leu710dup)

Gene: TSC2 (TSC complex subunit 2; plus strand). Cytogenetic location: 16p13.3.
Variant type: Duplication.
Coding change: c.2127_2129dup on transcript NM_000548.5 (MANE Select); coding-DNA positions 2127 to 2129, 3 bases duplicated (TCT; older notation c.2127_2129dupTCT).
Protein change: p.Leu710dup; duplicates leucine 710.
Molecular consequence: inframe insertion.
Genome position (GRCh38, 1-based): chr16:2,072,270-2,072,272, TCT duplicated; duplicating any 3 consecutive bases within chr16:2,072,269-2,072,272 gives the same sequence; the c. name uses the placement nearest the transcript's 3' end. VCF-style (leftmost placement, unchanged base first): chr16-2072268-G-GTTC. GRCh37 (hg19) VCF-style: chr16-2122269-G-GTTC.
Other names: c.2127_2129dup, p.Leu710dup (NM_001077183.3, NM_001114382.3, NM_001363528.2 and 3 more transcripts); c.2016_2018dup, p.Leu673dup (NM_001318827.2); c.1980_1982dup, p.Leu661dup (NM_001318829.2); c.1527_1529dup, p.Leu510dup (NM_001318831.2); c.2160_2162dup, p.Leu721dup (NM_001318832.2).
Identifiers: ClinVar variation 1002601 (VCV001002601.8), dbSNP rs2088566745, ClinGen allele CA2202025312.
Genomic context (GRCh38, chr16:2,072,268, plus strand): 5'-AAGGCCCTGTCCTGACGCCTCCTCTCCTCGCAGGAGTCTGACTGGAAGGTGCTGAAGCTG[G>GTTC]TTCTGGGCAGGCTGCCTGAGTCCCTGCGCTATAAAGTGCTCATCTTTACTTCCCCTTGCA-3'